The following is an entry in ClinVar:

NM_000271.5(NPC1):c.65C>G (p.Ser22Ter)

Gene: NPC1 (NPC intracellular cholesterol transporter 1; minus strand). Cytogenetic location: 18q11.2.
Variant type: single nucleotide variant.
Coding change: c.65C>G on transcript NM_000271.5 (MANE Select); coding-DNA position 65, C replaced by G.
Protein change: p.Ser22Ter; replaces serine 22 with a stop codon.
Molecular consequence: nonsense.
Genome position (GRCh38, 1-based): chr18:23,573,567, G>C on the plus strand (C>G on the coding strand, the complement: NPC1 is on the minus strand). VCF-style: chr18-23573567-G-C. GRCh37 (hg19) VCF-style: chr18-21153531-G-C.
Other names: short protein forms S22*.
Identifiers: ClinVar variation 2841948 (VCV002841948.3), dbSNP rs2511358187, ClinGen allele CA402041432.

ClinVar aggregate classification (germline): Pathogenic (1 of 4 stars; one submission).

Conditions:
Niemann-Pick disease, type C1. Also called: NIEMANN-PICK DISEASE, VARIANT TYPE C1; NEUROVISCERAL STORAGE DISEASE WITH VERTICAL SUPRANUCLEAR OPHTHALMOPLEGIA; NIEMANN-PICK DISEASE WITH CHOLESTEROL ESTERIFICATION BLOCK; NIEMANN-PICK DISEASE WITHOUT SPHINGOMYELINASE DEFICIENCY; NIEMANN-PICK DISEASE, CHRONIC NEURONOPATHIC FORM. Identifiers: Orphanet 646, MedGen C3179455, MONDO:0009757, OMIM 257220.

Submission:

Labcorp Genetics (formerly Invitae), Labcorp
Classification: Pathogenic for Niemann-Pick disease, type C1. Last evaluated: 2023-06-18. Review status: criteria provided, single submitter. Criteria: Invitae Variant Classification Sherloc (09022015). Collection method: clinical testing. Allele origin: germline.
Comment: This variant has not been reported in the literature in individuals affected with NPC1-related conditions. For these reasons, this variant has been classified as Pathogenic. This variant is not present in population databases (gnomAD no frequency). This sequence change creates a premature translational stop signal (p.Ser22*) in the NPC1 gene. It is expected to result in an absent or disrupted protein product. Loss-of-function variants in NPC1 are known to be pathogenic (PMID: 9211850).

Literature cited by the submitters: PubMed 9211850.